The following is an entry in ClinVar:

ClinVar aggregate classification (germline): Uncertain significance. Review status: criteria provided, multiple submitters, no conflicts (2 of 4 stars). 2 submissions from 2 submitters: Uncertain significance (2). Last evaluated 2025-11-10.

Conditions:
Hereditary cancer-predisposing syndrome. Also called: Hereditary Cancer Syndrome; Tumor predisposition; Neoplastic Syndromes, Hereditary; Hereditary neoplastic syndrome. Identifiers: Orphanet 140162, MedGen C0027672, MeSH D009386, MONDO:0015356.
Tuberous sclerosis 1 (TSC1). Identifiers: Orphanet 805, MedGen C1854465, MONDO:0008612, OMIM 191100.

Allele frequency attached by ClinVar (database versions not stated): gnomAD exomes below 0.00001.
gnomAD v4.1: 2 of 1,614,240 alleles (0.00012%); highest among the groups gnomAD compares: Non-Finnish European, 0.00017%; no homozygotes.

Submissions (2):

Labcorp Genetics (formerly Invitae), Labcorp
Classification: Uncertain significance for Tuberous sclerosis 1. Last evaluated: 2025-11-10. Review status: criteria provided, single submitter. Criteria: Invitae Variant Classification Sherloc (09022015). Collection method: clinical testing. Allele origin: germline.
Comment: This sequence change replaces leucine, which is neutral and non-polar, with phenylalanine, which is neutral and non-polar, at codon 107 of the TSC1 protein (p.Leu107Phe). This variant is not present in population databases (gnomAD no frequency). This variant has not been reported in the literature in individuals affected with TSC1-related conditions. ClinVar contains an entry for this variant (Variation ID: 2105678). Invitae Evidence Modeling of protein sequence and biophysical properties (such as structural, functional, and spatial information, amino acid conservation, physicochemical variation, residue mobility, and thermodynamic stability) indicates that this missense variant is not expected to disrupt TSC1 protein function with a negative predictive value of 95%. In summary, the available evidence is currently insufficient to determine the role of this variant in disease. Therefore, it has been classified as a Variant of Uncertain Significance.

Ambry Genetics
Classification: Uncertain significance for Hereditary cancer-predisposing syndrome. Last evaluated: 2023-11-22. Review status: criteria provided, single submitter. Criteria: Ambry Variant Classification Scheme 2023. Collection method: clinical testing. Allele origin: germline.
Comment: The p.L107F variant (also known as c.319C>T), located in coding exon 3 of the TSC1 gene, results from a C to T substitution at nucleotide position 319. The leucine at codon 107 is replaced by phenylalanine, an amino acid with highly similar properties. This amino acid position is conserved. In addition, the in silico prediction for this alteration is inconclusive. Since supporting evidence is limited at this time, the clinical significance of this alteration remains unclear.

NM_000368.5(TSC1):c.319C>T (p.Leu107Phe)

Gene: TSC1 (TSC complex subunit 1; minus strand). Cytogenetic location: 9q34.13.
Variant type: single nucleotide variant.
Coding change: c.319C>T on transcript NM_000368.5 (MANE Select); coding-DNA position 319, C replaced by T.
Protein change: p.Leu107Phe; replaces leucine 107 with phenylalanine.
Molecular consequence: missense variant. On other transcripts: 5 prime UTR variant (1), intron variant (1).
Genome position (GRCh38, 1-based): chr9:132,925,631, G>A on the plus strand (C>T on the coding strand, the complement: TSC1 is on the minus strand). VCF-style: chr9-132925631-G-A. GRCh37 (hg19) VCF-style: chr9-135801018-G-A.
Other names: c.319C>T, p.Leu107Phe (NM_001162426.2, NM_001406592.1, NM_001406593.1 and 16 more transcripts); c.-45C>T (NM_001362177.2, NM_001406617.1, NM_001406618.1 and 5 more transcripts); c.-170C>T (NM_001406623.1, NM_001406615.1); c.-137C>T (NM_001406624.1, NM_001406614.1, NM_001406616.1); c.-559C>T (NM_001406626.1, NM_001406627.1, NM_001406628.1); c.-701C>T (NM_001406629.1); c.-775C>T (NM_001406630.1); c.210+1570C>T (NM_001162427.2); short protein forms L107F.
Identifiers: ClinVar variation 2105678 (VCV002105678.5), dbSNP rs2539072810, ClinGen allele CA375374448.